The following is an entry in ClinVar:

NM_032043.3(BRIP1):c.1717C>T (p.Leu573=)

Gene: BRIP1 (BRCA1 interacting DNA helicase 1; minus strand). Cytogenetic location: 17q23.2.
Variant type: single nucleotide variant.
Coding change: c.1717C>T on transcript NM_032043.3 (MANE Select); coding-DNA position 1717, C replaced by T.
Protein change: p.Leu573=; no amino-acid change (leucine 573 retained).
Molecular consequence: synonymous variant.
Genome position (GRCh38, 1-based): chr17:61,780,917, G>A on the plus strand (C>T on the coding strand, the complement: BRIP1 is on the minus strand). VCF-style: chr17-61780917-G-A. GRCh37 (hg19) VCF-style: chr17-59858278-G-A.
Identifiers: ClinVar variation 1778653 (VCV001778653.3), dbSNP rs786202587, ClinGen allele CA501150530.

ClinVar aggregate classification (germline): Benign/Likely benign. Review status: criteria provided, multiple submitters, no conflicts (2 of 4 stars). 2 submissions from 2 submitters: Benign (1); Likely benign (1). Last evaluated 2024-08-29.

Conditions:
Hereditary cancer-predisposing syndrome. Also called: Neoplastic Syndromes, Hereditary; Tumor predisposition; Hereditary Cancer Syndrome; Hereditary neoplastic syndrome. Identifiers: Orphanet 140162, MedGen C0027672, MeSH D009386, MONDO:0015356.
Familial cancer of breast. Also called: BREAST CANCER, FAMILIAL; Hereditary breast cancer; hereditary breast carcinoma. Identifiers: Orphanet 227535, MedGen C0346153, MONDO:0016419, OMIM 114480. Disease mechanism: loss of function.

Submissions (2):

Myriad Genetics, Inc.
Classification: Benign for Familial cancer of breast. Last evaluated: 2024-08-29. Review status: criteria provided, single submitter. Criteria: Myriad Autosomal Dominant, Autosomal Recessive and X-Linked Classification Criteria (2023). Collection method: clinical testing. Allele origin: unknown.
Comment: This variant is considered benign. This variant is a silent/synonymous amino acid change and it is not expected to impact splicing.

Ambry Genetics
Classification: Likely benign for Hereditary cancer-predisposing syndrome. Last evaluated: 2019-01-28. Review status: criteria provided, single submitter. Criteria: Ambry Variant Classification Scheme 2023. Collection method: clinical testing. Allele origin: germline.